The following is an entry in ClinVar:

ClinVar aggregate classification (germline): Uncertain significance (1 of 4 stars; one submission).

Conditions:
Long QT syndrome (LQTS). Identifiers: MedGen C0023976, MeSH D008133, MONDO:0002442. Disease mechanism: loss of function. Inheritance: Various modes of inheritance.

Submission:

Labcorp Genetics (formerly Invitae), Labcorp
Classification: Uncertain significance for Long QT syndrome. Last evaluated: 2023-04-06. Review status: criteria provided, single submitter. Criteria: Invitae Variant Classification Sherloc (09022015). Collection method: clinical testing. Allele origin: germline.
Comment: This sequence change replaces alanine, which is neutral and non-polar, with aspartic acid, which is acidic and polar, at codon 217 of the KCNH2 protein (p.Ala217Asp). This variant is not present in population databases (gnomAD no frequency). This variant has not been reported in the literature in individuals affected with KCNH2-related conditions. An algorithm developed to predict the effect of missense changes on protein structure and function (PolyPhen-2) suggests that this variant is likely to be tolerated. In summary, the available evidence is currently insufficient to determine the role of this variant in disease. Therefore, it has been classified as a Variant of Uncertain Significance.

NM_000238.4(KCNH2):c.650C>A (p.Ala217Asp)

Gene: KCNH2 (potassium voltage-gated channel subfamily H member 2; minus strand). Cytogenetic location: 7q36.1.
Variant type: single nucleotide variant.
Coding change: c.650C>A on transcript NM_000238.4 (MANE Select); coding-DNA position 650, C replaced by A.
Protein change: p.Ala217Asp; replaces alanine 217 with aspartic acid.
Molecular consequence: missense variant. On other transcripts: non-coding transcript variant (1).
Genome position (GRCh38, 1-based): chr7:150,958,325, G>T on the plus strand (C>A on the coding strand, the complement: KCNH2 is on the minus strand). VCF-style: chr7-150958325-G-T. GRCh37 (hg19) VCF-style: chr7-150655413-G-T.
Other names: c.362C>A, p.Ala121Asp (NM_001406753.1, NM_001406756.1); c.473C>A, p.Ala158Asp (NM_001406755.1); c.350C>A, p.Ala117Asp (NM_001406757.1); c.650C>A, p.Ala217Asp (NM_172056.3); short protein forms A117D, A121D, A158D, A217D.
Identifiers: ClinVar variation 2850398 (VCV002850398.3), dbSNP rs1171129234, ClinGen allele CA369862971.
Genomic context (GRCh38, chr7:150,958,325, plus strand): 5'-GGACCCACCAGCGCACGCCGCTCCTCCGCGGGCCCGAGCCCTGCCACGTGGTTGTCCATG[G>T]CTGTCACTTCGTCCAGGGCCAGCGACTCGCTGCTGGGTGCCGCGGGCGTCAGGTCCACGT-3'
Protein context (NP_000229.1, residues 207-227): SESLALDEVT[Ala217Asp]MDNHVAGLGP